The following is an entry in ClinVar:

NM_000246.4(CIITA):c.3196C>T (p.Arg1066Cys)

Gene: CIITA (class II major histocompatibility complex transactivator; plus strand). Cytogenetic location: 16p13.13.
Variant type: single nucleotide variant.
Coding change: c.3196C>T on transcript NM_000246.4 (MANE Select); coding-DNA position 3196, C replaced by T.
Protein change: p.Arg1066Cys; replaces arginine 1066 with cysteine.
Molecular consequence: missense variant. On other transcripts: non-coding transcript variant (1).
Genome position (GRCh38, 1-based): chr16:10,922,213, C>T. VCF-style: chr16-10922213-C-T. GRCh37 (hg19) VCF-style: chr16-11016070-C-T.
Other names: c.3199C>T, p.Arg1067Cys (NM_001286402.1, NM_001379332.1); c.1444C>T, p.Arg482Cys (NM_001286403.2); c.3052C>T, p.Arg1018Cys (NM_001379330.1); c.3049C>T, p.Arg1017Cys (NM_001379331.1); c.3196C>T, p.Arg1066Cys (NM_001379333.1); c.3127C>T, p.Arg1043Cys (NM_001379334.1); short protein forms R1043C, R1018C, R1066C, R1067C, R482C, R1017C.
Identifiers: ClinVar variation 2181584 (VCV002181584.1), dbSNP rs748757331, ClinGen allele CA7900721.

ClinVar aggregate classification (germline): Uncertain significance (1 of 4 stars; one submission).

Conditions:
MHC class II deficiency. Also called: Bare lymphocyte syndrome 2; BLS, TYPE II. Identifiers: Orphanet 572, MedGen C5447452, MONDO:0008855.

Allele frequency attached by ClinVar (database versions not stated): gnomAD 0.00001; TOPMed 0.00001; ExAC 0.00001.
gnomAD v4.1: 23 of 1,614,110 alleles (0.0014%); highest among the groups gnomAD compares: East Asian, 0.0045%; no homozygotes.

Submission:

Labcorp Genetics (formerly Invitae), Labcorp
Classification: Uncertain significance for MHC class II deficiency. Last evaluated: 2022-01-06. Review status: criteria provided, single submitter. Criteria: Invitae Variant Classification Sherloc (09022015). Collection method: clinical testing. Allele origin: germline.
Comment: This sequence change replaces arginine, which is basic and polar, with cysteine, which is neutral and slightly polar, at codon 1066 of the CIITA protein (p.Arg1066Cys). This variant is present in population databases (rs748757331, gnomAD 0.006%). This variant has not been reported in the literature in individuals affected with CIITA-related conditions. Algorithms developed to predict the effect of missense changes on protein structure and function are either unavailable or do not agree on the potential impact of this missense change (SIFT: "Deleterious"; PolyPhen-2: "Possibly Damaging"; Align-GVGD: "Class C0"). In summary, the available evidence is currently insufficient to determine the role of this variant in disease. Therefore, it has been classified as a Variant of Uncertain Significance.